The following is an entry in ClinVar:

NM_001278689.2(EOGT):c.754G>A (p.Asp252Asn)

Gene: EOGT (EGF domain specific O-linked N-acetylglucosamine transferase; minus strand). Cytogenetic location: 3p14.1.
Variant type: single nucleotide variant.
Coding change: c.754G>A on transcript NM_001278689.2 (MANE Select); coding-DNA position 754, G replaced by A.
Protein change: p.Asp252Asn; replaces aspartic acid 252 with asparagine.
Molecular consequence: missense variant.
Genome position (GRCh38, 1-based): chr3:68,998,088, C>T on the plus strand (G>A on the coding strand, the complement: EOGT is on the minus strand). VCF-style: chr3-68998088-C-T. GRCh37 (hg19) VCF-style: chr3-69047239-C-T.
Other names: c.754G>A, p.Asp252Asn (NM_173654.3); c.754G>A (NM_173654.1); short protein forms D252N.
Identifiers: ClinVar variation 2141770 (VCV002141770.4), dbSNP rs149776692, ClinGen allele CA2486796.

ClinVar aggregate classification (germline): Uncertain significance. Review status: criteria provided, multiple submitters, no conflicts (2 of 4 stars). 2 submissions from 2 submitters: Uncertain significance (2). Last evaluated 2025-08-02.

Conditions:
Adams-Oliver syndrome 4 (AOS4). Identifiers: Orphanet 974, MedGen C3809092, MONDO:0014124, OMIM 615297.
Inborn genetic diseases. Identifiers: MedGen C0950123, MeSH D030342.

Allele frequency attached by ClinVar (database versions not stated): ExAC 0.00007; gnomAD 0.00012; 1000 Genomes Project 30x 0.00016; 1000 Genomes Project 0.00020; TOPMed 0.00020; ESP Exome Variant Server 0.00023.
gnomAD v4.1: 45 of 1,596,630 alleles (0.0028%); highest among the groups gnomAD compares: African/African-American, 0.05%; no homozygotes.

Submissions (2):

Ambry Genetics
Classification: Uncertain significance for Inborn genetic diseases. Last evaluated: 2025-08-02. Review status: criteria provided, single submitter. Criteria: Ambry Variant Classification Scheme 2023. Collection method: clinical testing. Allele origin: germline.

Labcorp Genetics (formerly Invitae), Labcorp
Classification: Uncertain significance for Adams-Oliver syndrome 4. Last evaluated: 2023-05-08. Review status: criteria provided, single submitter. Criteria: Invitae Variant Classification Sherloc (09022015). Collection method: clinical testing. Allele origin: germline.
Comment: In summary, the available evidence is currently insufficient to determine the role of this variant in disease. Therefore, it has been classified as a Variant of Uncertain Significance. Algorithms developed to predict the effect of sequence changes on RNA splicing suggest that this variant may disrupt the consensus splice site. Advanced modeling of protein sequence and biophysical properties (such as structural, functional, and spatial information, amino acid conservation, physicochemical variation, residue mobility, and thermodynamic stability) performed at Invitae indicates that this missense variant is expected to disrupt EOGT protein function. ClinVar contains an entry for this variant (Variation ID: 2141770). This variant has not been reported in the literature in individuals affected with EOGT-related conditions. This variant is present in population databases (rs149776692, gnomAD 0.06%). This sequence change replaces aspartic acid, which is acidic and polar, with asparagine, which is neutral and polar, at codon 252 of the EOGT protein (p.Asp252Asn).